The following is an entry in ClinVar:

ClinVar aggregate classification (germline): Benign/Likely benign. Review status: criteria provided, multiple submitters, no conflicts (2 of 4 stars). 15 submissions from 15 submitters: Benign (7); Likely benign (5). 3 of the submissions do not count toward it. Last evaluated 2026-09-01.

Conditions:
Norman-Roberts syndrome (LIS2). Also called: Lissencephaly 2 (Norman-Roberts type). Identifiers: Orphanet 89844, MedGen C0796089, MONDO:0009760, OMIM 257320.
Familial temporal lobe epilepsy 7. Identifiers: Orphanet 101046, MedGen C4225327, MONDO:0014639, OMIM 616436.
Epilepsy, familial temporal lobe, 1. Identifiers: Orphanet 101046, MedGen CN030884, MONDO:0700090, OMIM 600512.

Allele frequency attached by ClinVar (database versions not stated): TOPMed 0.00442; gnomAD exomes 0.00452 and 0.00567; gnomAD 0.00497 and 0.00507; ExAC 0.00515; 1000 Genomes Project 30x 0.00203; 1000 Genomes Project 0.00260; ESP Exome Variant Server 0.00431.
gnomAD v4.1: 8,986 of 1,613,178 alleles (0.56%); highest among the groups gnomAD compares: Non-Finnish European, 0.66%; 42 homozygotes.

Submissions (15):

CeGaT Center for Human Genetics Tuebingen
Classification: Likely benign. Last evaluated: 2026-09-01. Review status: criteria provided, single submitter. Criteria: CeGaT Center For Human Genetics Tuebingen Variant Classification Criteria Version 2. Collection method: clinical testing. Allele origin: germline. Affected: yes. Observed: 69 variant alleles.
Comment: RELN: BP4, BP7, BS2

Labcorp Genetics (formerly Invitae), Labcorp
Classification: Benign for Familial temporal lobe epilepsy 7; Norman-Roberts syndrome. Last evaluated: 2026-02-02. Review status: criteria provided, single submitter. Criteria: Invitae Variant Classification Sherloc (09022015). Collection method: clinical testing. Allele origin: germline.

Athena Diagnostics
Classification: Benign. Last evaluated: 2025-05-06. Review status: criteria provided, single submitter. Criteria: Athena Diagnostics Criteria. Collection method: clinical testing. Allele origin: unknown.
Comment: The frequency of this variant in the general population is higher than would generally be expected for pathogenic variants in this gene.

ARUP Laboratories, Molecular Genetics and Genomics, ARUP Laboratories
Classification: Benign. Last evaluated: 2025-04-08. Review status: criteria provided, single submitter. Criteria: ARUP Molecular Germline Variant Investigation Process 2024. Collection method: clinical testing. Allele origin: germline.

Blueprint Genetics
Classification: Likely benign. Last evaluated: 2024-11-27. Review status: criteria provided, single submitter. Criteria: ACMG Guidelines, 2015. Collection method: clinical testing. Allele origin: germline.

Mayo Clinic Laboratories, Mayo Clinic
Classification: Benign. Last evaluated: 2023-06-13. Review status: criteria provided, single submitter. Criteria: ACMG Guidelines, 2015. Collection method: clinical testing. Allele origin: germline. Observed: 7 variant alleles.

Fulgent Genetics
Classification: Likely benign for Norman-Roberts syndrome; Epilepsy, familial temporal lobe, 1; Familial temporal lobe epilepsy 7. Last evaluated: 2021-08-13. Review status: criteria provided, single submitter. Criteria: ACMG Guidelines, 2015. Collection method: clinical testing. Allele origin: unknown.

Illumina Laboratory Services, Illumina
Classification: Likely benign for Norman-Roberts syndrome. Last evaluated: 2018-01-13. Review status: criteria provided, single submitter. Criteria: ICSL Variant Classification Criteria 13 December 2019. Collection method: clinical testing. Allele origin: germline.
Comment: This variant was observed in the ICSL laboratory as part of a predisposition screen in an ostensibly healthy population. It had not been previously curated by ICSL or reported in the Human Gene Mutation Database (HGMD: prior to June 1st, 2018), and was therefore a candidate for classification through an automated scoring system. Utilizing variant allele frequency, disease prevalence and penetrance estimates, and inheritance mode, an automated score was calculated to assess if this variant is too frequent to cause the disease. Based on the score and internal cut-off values, a variant classified as likely benign is not then subjected to further curation. The score for this variant resulted in a classification of likely benign for this disease.

Genetic Services Laboratory, University of Chicago
Classification: Benign. Last evaluated: 2017-12-28. Review status: criteria provided, single submitter. Criteria: ACMG Guidelines, 2015. Collection method: clinical testing. Allele origin: germline. Affected: no.

GeneDx
Classification: Benign. Last evaluated: 2014-03-19. Review status: criteria provided, single submitter. Criteria: GeneDx Variant Classification (06012015). Collection method: clinical testing. Allele origin: germline. Affected: yes.
Comment: This variant is considered likely benign or benign based on one or more of the following criteria: it is a conservative change, it occurs at a poorly conserved position in the protein, it is predicted to be benign by multiple in silico algorithms, and/or has population frequency not consistent with disease.

Eurofins Ntd Llc (ga)
Classification: Benign. Last evaluated: 2013-08-07. Review status: criteria provided, single submitter. Criteria: EGL Classification Definitions 2015. Collection method: clinical testing. Allele origin: germline. Observed: 1 variant allele, 1 heterozygote.

Breakthrough Genomics
Classification: Likely benign. Review status: criteria provided, single submitter. Criteria: ACMG Guidelines, 2015. Collection method: not provided. Allele origin: germline. Inheritance: Autosomal recessive inheritance. Affected: yes.

Clinical Genetics DNA and cytogenetics Diagnostics Lab, Erasmus MC, Erasmus Medical Center
Classification: Likely benign. Review status: no assertion criteria provided. Collection method: clinical testing. Allele origin: germline. Affected: yes. Study: VKGL Data-share Consensus. Not counted in ClinVar's aggregate classification.

Clinical Genetics, Academic Medical Center
Classification: Benign. Review status: no assertion criteria provided. Collection method: clinical testing. Allele origin: germline. Affected: yes. Study: VKGL Data-share Consensus. Not counted in ClinVar's aggregate classification.

Diagnostic Laboratory, Department of Genetics, University Medical Center Groningen
Classification: Likely benign for Norman-Roberts syndrome. Review status: no assertion criteria provided. Collection method: clinical testing. Allele origin: germline. Affected: yes. Study: VKGL Data-share Consensus. Not counted in ClinVar's aggregate classification.

NM_005045.4(RELN):c.6084C>T (p.Gly2028=)

Gene: RELN (reelin; minus strand). Cytogenetic location: 7q22.1.
Variant type: single nucleotide variant.
Coding change: c.6084C>T on transcript NM_005045.4 (MANE Select); coding-DNA position 6084, C replaced by T.
Protein change: p.Gly2028=; no amino-acid change (glycine 2028 retained).
Molecular consequence: synonymous variant.
Genome position (GRCh38, 1-based): chr7:103,551,285, G>A on the plus strand (C>T on the coding strand, the complement: RELN is on the minus strand). VCF-style: chr7-103551285-G-A. GRCh37 (hg19) VCF-style: chr7-103191732-G-A.
Other names: p.G2028G:GGC>GGT; p.Gly2028=; c.6084C>T, p.Gly2028= (NM_173054.3).
Identifiers: ClinVar variation 95225 (VCV000095225.71), dbSNP rs114019779, ClinGen allele CA148346.